The following is an entry in ClinVar:

NM_006440.5(TXNRD2):c.950-80C>G

Gene: TXNRD2 (thioredoxin reductase 2; minus strand). Cytogenetic location: 22q11.21.
Variant type: single nucleotide variant.
Coding change: c.950-80C>G on transcript NM_006440.5 (MANE Select); 80 bases into the intron before coding-DNA position 950, C replaced by G.
Molecular consequence: intron variant.
Genome position (GRCh38, 1-based): chr22:19,883,541, G>C on the plus strand (C>G on the coding strand, the complement: TXNRD2 is on the minus strand). VCF-style: chr22-19883541-G-C. GRCh37 (hg19) VCF-style: chr22-19871064-G-C.
Other names: c.947-80C>G (NM_001352300.2); c.662-80C>G (NM_001352302.2); c.860-80C>G (NM_001352301.2).
Identifiers: ClinVar variation 679575 (VCV000679575.2), dbSNP rs145029690, ClinGen allele CA322093852.
Genomic context (GRCh38, chr22:19,883,541, plus strand): 5'-GGCTGAAAGGTTATCTTCAGTGGCTTTGACCTAGAGCGGTTGTGTTTAAACTGTTTCTCA[G>C]AATGTCCACTTAGAGACCGGGTGCAGTGGCTCCTGCCTGTAATCCCAGCACTGTAGGAGG-3'

ClinVar aggregate classification (germline): Likely benign. Review status: criteria provided, multiple submitters, no conflicts (2 of 4 stars). 2 submissions from 2 submitters: Likely benign (2). Last evaluated 2018-06-14.

Allele frequency attached by ClinVar (database versions not stated): 1000 Genomes Project 0.00859; 1000 Genomes Project 30x 0.00906; TOPMed 0.01159; gnomAD 0.01263 and 0.01268; gnomAD exomes 0.01592.

Submissions (2):

GeneDx
Classification: Likely benign. Last evaluated: 2018-06-14. Review status: criteria provided, single submitter. Criteria: GeneDx Variant Classification (06012015). Collection method: clinical testing. Allele origin: germline. Affected: yes.
Comment: This variant is considered likely benign or benign based on one or more of the following criteria: it is a conservative change, it occurs at a poorly conserved position in the protein, it is predicted to be benign by multiple in silico algorithms, and/or has population frequency not consistent with disease.

Breakthrough Genomics
Classification: Likely benign. Review status: criteria provided, single submitter. Criteria: ACMG Guidelines, 2015. Collection method: not provided. Allele origin: germline. Inheritance: Autosomal recessive inheritance. Affected: yes.